The following is an entry in ClinVar:

NM_002334.4(LRP4):c.3555C>G (p.Asp1185Glu)

Gene: LRP4 (LDL receptor related protein 4; minus strand). Cytogenetic location: 11p11.2.
Variant type: single nucleotide variant.
Coding change: c.3555C>G on transcript NM_002334.4 (MANE Select); coding-DNA position 3555, C replaced by G.
Protein change: p.Asp1185Glu; replaces aspartic acid 1185 with glutamic acid.
Molecular consequence: missense variant.
Genome position (GRCh38, 1-based): chr11:46,875,948, G>C on the plus strand (C>G on the coding strand, the complement: LRP4 is on the minus strand). VCF-style: chr11-46875948-G-C. GRCh37 (hg19) VCF-style: chr11-46897499-G-C.
Other names: short protein forms D1185E.
Identifiers: ClinVar variation 1447911 (VCV001447911.9), dbSNP rs1189743163, ClinGen allele CA380273631.

ClinVar aggregate classification (germline): Uncertain significance. Review status: criteria provided, multiple submitters, no conflicts (2 of 4 stars). 2 submissions from 2 submitters: Uncertain significance (2). Last evaluated 2022-03-28.

Conditions:
Cenani-Lenz syndactyly syndrome. Also called: SYNDACTYLY, TYPE VII; CENANI SYNDACTYLISM. Identifiers: Orphanet 3258, MedGen C1859309, MONDO:0008931, OMIM 212780.
Sclerosteosis 2 (SOST2). Identifiers: Orphanet 3152, MedGen C3280402, MONDO:0013679, OMIM 614305.
Congenital myasthenic syndrome 17. Identifiers: Orphanet 590, MedGen C4225377, MONDO:0014578, OMIM 616304.

Allele frequency attached by ClinVar (database versions not stated): gnomAD exomes below 0.00001; TOPMed below 0.00001; gnomAD 0.00001.
gnomAD v4.1: 4 of 1,613,998 alleles (0.00025%); highest among the groups gnomAD compares: Admixed American, 0.0017%; no homozygotes.

Submissions (2):

Fulgent Genetics
Classification: Uncertain significance for Cenani-Lenz syndactyly syndrome; Sclerosteosis 2; Congenital myasthenic syndrome 17. Last evaluated: 2022-03-28. Review status: criteria provided, single submitter. Criteria: ACMG Guidelines, 2015. Collection method: clinical testing. Allele origin: unknown.

Labcorp Genetics (formerly Invitae), Labcorp
Classification: Uncertain significance for Cenani-Lenz syndactyly syndrome; Sclerosteosis 2; Congenital myasthenic syndrome 17. Last evaluated: 2021-02-12. Review status: criteria provided, single submitter. Criteria: Invitae Variant Classification Sherloc (09022015). Collection method: clinical testing. Allele origin: germline.
Comment: In summary, the available evidence is currently insufficient to determine the role of this variant in disease. Therefore, it has been classified as a Variant of Uncertain Significance. This variant is not present in population databases (ExAC no frequency). This variant has not been reported in the literature in individuals with LRP4-related conditions. Algorithms developed to predict the effect of missense changes on protein structure and function (SIFT, PolyPhen-2, Align-GVGD) all suggest that this variant is likely to be disruptive, but these predictions have not been confirmed by published functional studies and their clinical significance is uncertain. This sequence change replaces aspartic acid with glutamic acid at codon 1185 of the LRP4 protein (p.Asp1185Glu). The aspartic acid residue is highly conserved and there is a small physicochemical difference between aspartic acid and glutamic acid.